The following is an entry in ClinVar:

ClinVar aggregate classification (germline): Likely benign. Review status: criteria provided, multiple submitters, no conflicts (2 of 4 stars). 2 submissions from 2 submitters: Likely benign (2). Last evaluated 2025-08-01.

Conditions:
Neurofibromatosis, type 1 (NF1). Also called: VON RECKLINGHAUSEN DISEASE; NEUROFIBROMATOSIS, TYPE I, SOMATIC; Peripheral type neurofibromatosis; Neurofibromatosis, type I. Identifiers: Orphanet 636, MedGen C0027831, MONDO:0018975, OMIM 162200. Disease mechanism: loss of function.

Submissions (2):

CeGaT Center for Human Genetics Tuebingen
Classification: Likely benign. Last evaluated: 2025-08-01. Review status: criteria provided, single submitter. Criteria: CeGaT Center For Human Genetics Tuebingen Variant Classification Criteria Version 2. Collection method: clinical testing. Allele origin: germline. Affected: yes. Observed: 1 variant allele.
Comment: NF1: PM2:Supporting, BP4, BP7

Labcorp Genetics (formerly Invitae), Labcorp
Classification: Likely benign for Neurofibromatosis, type 1. Last evaluated: 2017-09-11. Review status: criteria provided, single submitter. Criteria: Invitae Variant Classification Sherloc (09022015). Collection method: clinical testing. Allele origin: germline.

NM_001042492.3(NF1):c.7581G>C (p.Gly2527=)

Gene: NF1 (neurofibromin 1; plus strand). Cytogenetic location: 17q11.2.
Variant type: single nucleotide variant.
Coding change: c.7581G>C on transcript NM_001042492.3 (MANE Select); coding-DNA position 7581, G replaced by C.
Protein change: p.Gly2527=; no amino-acid change (glycine 2527 retained).
Molecular consequence: synonymous variant.
Genome position (GRCh38, 1-based): chr17:31,352,380, G>C. VCF-style: chr17-31352380-G-C. GRCh37 (hg19) VCF-style: chr17-29679398-G-C.
Other names: c.7518G>C, p.Gly2506= (NM_000267.4).
Identifiers: ClinVar variation 527633 (VCV000527633.15), dbSNP rs1555536369, ClinGen allele CA499239308.
Genomic context (GRCh38, chr17:31,352,380, plus strand): 5'-CTATCCAACTGTCGGCCAGACCAGTCCCCGAGCCAGGAAATCCATGAGCCTGGACATGGG[G>C]CAACCTTCTCAGGCCAACACTAAGAAGTTGCTTGGTTAGTTTATCTAAATTATGTAGATT-3'
Protein context (NP_001035957.1, residues 2517-2537): RARKSMSLDM[Gly2527=]QPSQANTKKL